The following is an entry in ClinVar:

NM_033026.6(PCLO):c.6174A>G (p.Leu2058=)

Gene: PCLO (piccolo presynaptic cytomatrix protein; minus strand). Cytogenetic location: 7q21.11.
Variant type: single nucleotide variant.
Coding change: c.6174A>G on transcript NM_033026.6 (MANE Select); coding-DNA position 6174, A replaced by G.
Protein change: p.Leu2058=; no amino-acid change (leucine 2058 retained).
Molecular consequence: synonymous variant.
Genome position (GRCh38, 1-based): chr7:82,954,779, T>C on the plus strand (A>G on the coding strand, the complement: PCLO is on the minus strand). VCF-style: chr7-82954779-T-C. GRCh37 (hg19) VCF-style: chr7-82584095-T-C.
Other names: c.6174A>G, p.Leu2058= (NM_014510.3).
Identifiers: ClinVar variation 782005 (VCV000782005.37), dbSNP rs147497968, ClinGen allele CA4320522.

ClinVar aggregate classification (germline): Benign/Likely benign. Review status: criteria provided, multiple submitters, no conflicts (2 of 4 stars). 5 submissions from 5 submitters: Benign (2); Likely benign (2). 1 of the submissions does not count toward it. Last evaluated 2026-02-02.

Conditions:
PCLO-related disorder. Also called: PCLO-related condition.
Pontocerebellar hypoplasia type 3 (PCH3). Also called: PCH WITH OPTIC ATROPHY; CEREBELLAR ATROPHY WITH PROGRESSIVE MICROCEPHALY. Identifiers: Orphanet 97249, MedGen C1842687, MONDO:0011948, OMIM 608027.

Allele frequency attached by ClinVar (database versions not stated): 1000 Genomes Project 30x 0.00125; 1000 Genomes Project 0.00140; TOPMed 0.00509; gnomAD exomes 0.00541 and 0.00714; ExAC 0.00553; gnomAD 0.00601 and 0.00623; ESP Exome Variant Server 0.00639.
gnomAD v4.1: 11,255 of 1,613,796 alleles (0.7%); highest among the groups gnomAD compares: Non-Finnish European, 0.84%; 63 homozygotes.

Submissions (5):

Labcorp Genetics (formerly Invitae), Labcorp
Classification: Benign. Last evaluated: 2026-02-02. Review status: criteria provided, single submitter. Criteria: Invitae Variant Classification Sherloc (09022015). Collection method: clinical testing. Allele origin: germline.

CeGaT Center for Human Genetics Tuebingen
Classification: Likely benign. Last evaluated: 2024-06-01. Review status: criteria provided, single submitter. Criteria: CeGaT Center For Human Genetics Tuebingen Variant Classification Criteria Version 2. Collection method: clinical testing. Allele origin: germline. Affected: yes. Observed: 9 variant alleles.
Comment: PCLO: BP4, BP7, BS2

Fulgent Genetics
Classification: Likely benign for Pontocerebellar hypoplasia type 3. Last evaluated: 2021-10-26. Review status: criteria provided, single submitter. Criteria: ACMG Guidelines, 2015. Collection method: clinical testing. Allele origin: unknown.

Breakthrough Genomics
Classification: Benign. Review status: criteria provided, single submitter. Criteria: ACMG Guidelines, 2015. Collection method: not provided. Allele origin: germline. Inheritance: Autosomal recessive inheritance. Affected: yes.

PreventionGenetics, part of Exact Sciences
Classification: Benign for PCLO-related condition. Last evaluated: 2019-05-08. Review status: no assertion criteria provided. Collection method: clinical testing. Allele origin: germline. Not counted in ClinVar's aggregate classification.
Comment: This variant is classified as benign based on ACMG/AMP sequence variant interpretation guidelines (Richards et al. 2015 PMID: 25741868, with internal and published modifications).